The following is an entry in ClinVar:

NM_002528.7(NTHL1):c.685+2T>C

Gene: NTHL1 (nth like DNA glycosylase 1; minus strand). Cytogenetic location: 16p13.3.
Variant type: single nucleotide variant.
Coding change: c.685+2T>C on transcript NM_002528.7 (MANE Select); the canonical splice donor site of the intron after coding-DNA position 685, T replaced by C.
Molecular consequence: splice donor variant.
Genome position (GRCh38, 1-based): chr16:2,043,565, A>G on the plus strand (T>C on the coding strand, the complement: NTHL1 is on the minus strand). VCF-style: chr16-2043565-A-G. GRCh37 (hg19) VCF-style: chr16-2093566-A-G.
Other names: c.355+2T>C (NM_001318194.2); c.514+2T>C (NM_001318193.2).
Identifiers: ClinVar variation 3572219 (VCV003572219.1).

ClinVar aggregate classification (germline): Likely pathogenic (1 of 4 stars; one submission).

Submission:

Quest Diagnostics Nichols Institute San Juan Capistrano
Classification: Likely pathogenic. Last evaluated: 2024-07-30. Review status: criteria provided, single submitter. Criteria: Quest Diagnostics criteria. Collection method: clinical testing. Allele origin: unknown.
Comment: The NTHL1 c.709+2T>C variant disrupts a canonical splice-donor site and is predicted to interfere with normal NTHL1 mRNA splicing. This variant has not been reported in individuals with NTHL1-related conditions in the published literature. This variant has not been reported in large, multi-ethnic general populations (Genome Aggregation Database). Based on the available information, this variant is classified as likely pathogenic.